The following is an entry in ClinVar:

ClinVar aggregate classification (germline): Benign (1 of 4 stars; one submission).

Conditions:
Leigh syndrome (NULS). Also called: Leigh's necrotizing encephalopathy; Leigh's disease; Leigh Syndrome (mtDNA deletion); Leigh Disease; Subacute necrotizing encephalopathy; Necrotizing encephalopathy infantile subacute of Leigh. Identifiers: Orphanet 506, MedGen C2931891, MONDO:0009723, OMIM 256000.

Submission:

Wong Mito Lab, Molecular and Human Genetics, Baylor College of Medicine
Classification: Benign for Leigh syndrome. Last evaluated: 2019-10-17. Review status: criteria provided, single submitter. Criteria: Modified ACMG Guidelines (Unpublished). Collection method: clinical testing. Allele origin: germline.
Comment: The NC_012920.1:m.13466G>C (YP_003024036.1:p.Ser377Thr) variant in MTND5 gene is interpretated to be a Benign variant based on the modified ACMG guidelines (unpublished). This variant meets the following evidence codes: BS1, BS4

NC_012920.1(MT-ND5):m.13466G>C

Gene: MT-ND5 (mitochondrially encoded NADH dehydrogenase 5; plus strand).
Variant type: single nucleotide variant.
Genome position: chrM-13466-G-C.
Identifiers: ClinVar variation 693558 (VCV000693558.1), dbSNP rs3902404, ClinGen allele CA414818114.